The following is an entry in ClinVar:

ClinVar aggregate classification (germline): Uncertain significance (1 of 4 stars; one submission).

Allele frequency attached by ClinVar (database versions not stated): gnomAD exomes 0.00001.

Submission:

Labcorp Genetics (formerly Invitae), Labcorp
Classification: Uncertain significance. Last evaluated: 2024-04-15. Review status: criteria provided, single submitter. Criteria: Invitae Variant Classification Sherloc (09022015). Collection method: clinical testing. Allele origin: germline.
Comment: This sequence change replaces glycine, which is neutral and non-polar, with serine, which is neutral and polar, at codon 433 of the FBLN5 protein (p.Gly433Ser). This variant is not present in population databases (gnomAD no frequency). This variant has not been reported in the literature in individuals affected with FBLN5-related conditions. Advanced modeling of protein sequence and biophysical properties (such as structural, functional, and spatial information, amino acid conservation, physicochemical variation, residue mobility, and thermodynamic stability) performed at Invitae indicates that this missense variant is not expected to disrupt FBLN5 protein function with a negative predictive value of 80%. In summary, the available evidence is currently insufficient to determine the role of this variant in disease. Therefore, it has been classified as a Variant of Uncertain Significance.

NM_006329.4(FBLN5):c.1297G>A (p.Gly433Ser)

Gene: FBLN5 (fibulin 5; minus strand). Cytogenetic location: 14q32.12.
Variant type: single nucleotide variant.
Coding change: c.1297G>A on transcript NM_006329.4 (MANE Select); coding-DNA position 1297, G replaced by A.
Protein change: p.Gly433Ser; replaces glycine 433 with serine.
Molecular consequence: missense variant. On other transcripts: 3 prime UTR variant (2).
Genome position (GRCh38, 1-based): chr14:91,870,274, C>T on the plus strand (G>A on the coding strand, the complement: FBLN5 is on the minus strand). VCF-style: chr14-91870274-C-T. GRCh37 (hg19) VCF-style: chr14-92336618-C-T.
Other names: c.1420G>A, p.Gly474Ser (NM_001384158.1); c.1348G>A, p.Gly450Ser (NM_001384159.1); c.*81G>A (NM_001384160.1, NM_001384161.1); c.1129G>A, p.Gly377Ser (NM_001384162.1); short protein forms G433S, G377S, G450S, G474S.
Identifiers: ClinVar variation 3005641 (VCV003005641.3), dbSNP rs1888857803, ClinGen allele CA390639102.
Genomic context (GRCh38, chr14:91,870,274, plus strand): 5'-AGCCCGAGGCTCAGAATGGGTACTGCGACACATATATCCGCAGTCGGATCACGGAGCTGC[C>T]TCTGAAGTTGATGACAGTGTTGACAGTGATCATTTCCAAGTCCAGCTGGATTTCCCGGGG-3'
Protein context (NP_006320.2, residues 423-443): ITVNTVINFR[Gly433Ser]SSVIRLRIYV